The following is an entry in ClinVar:

ClinVar aggregate classification (germline): Benign. Review status: criteria provided, multiple submitters, no conflicts (2 of 4 stars). 2 submissions from 2 submitters: Benign (2). Last evaluated 2019-10-17.

Conditions:
Leigh syndrome (NULS). Also called: Leigh's necrotizing encephalopathy; Leigh's disease; Leigh Syndrome (mtDNA deletion); Leigh Disease; Subacute necrotizing encephalopathy; Necrotizing encephalopathy infantile subacute of Leigh. Identifiers: Orphanet 506, MedGen C2931891, MONDO:0009723, OMIM 256000.

Submissions (2):

Wong Mito Lab, Molecular and Human Genetics, Baylor College of Medicine
Classification: Benign for Leigh syndrome. Last evaluated: 2019-10-17. Review status: criteria provided, single submitter. Criteria: Modified ACMG Guidelines (Unpublished). Collection method: clinical testing. Allele origin: germline.
Comment: The NC_012920.1:m.4012A>G (YP_003024026.1:p.Thr236Ala) variant in MTND1 gene is interpretated to be a Benign variant based on the modified ACMG guidelines (unpublished). This variant meets the following evidence codes: BS1, BS2, BP4

Breakthrough Genomics
Classification: Benign. Review status: criteria provided, single submitter. Criteria: ACMG Guidelines, 2015. Collection method: not provided. Allele origin: germline. Inheritance: Unknown mechanism. Affected: yes.

NC_012920.1(MT-ND1):m.4012A>G

Gene: MT-ND1 (mitochondrially encoded NADH dehydrogenase 1; plus strand).
Variant type: single nucleotide variant.
Genome position: chrM-4012-A-G.
Identifiers: ClinVar variation 692411 (VCV000692411.2), dbSNP rs201610884, ClinGen allele CA337096753.
Genomic context (GRCh38, chrMT:4,012, plus strand): 5'-GCCGCAGGCCCCTTCGCCCTATTCTTCATAGCCGAATACACAAACATTATTATAATAAAC[A>G]CCCTCACCACTACAATCTTCCTAGGAACAACATATGACGCACTCTCCCCTGAACTCTACA-3'